The following is an entry in ClinVar:

ClinVar aggregate classification (germline): Pathogenic/Likely pathogenic. Review status: criteria provided, multiple submitters, no conflicts (2 of 4 stars). 3 submissions from 3 submitters: Pathogenic (1); Likely pathogenic (2). Last evaluated 2024-01-01.

Conditions:
Inborn genetic diseases. Identifiers: MedGen C0950123, MeSH D030342.
Galloway-Mowat syndrome 1 (GAMOS1). Identifiers: Orphanet 2065, Orphanet 83472, MedGen C4551772, MONDO:0033005, OMIM 251300.

Allele frequency attached by ClinVar (database versions not stated): TOPMed 0.00001; gnomAD 0.00001.
gnomAD v4.1: 1 of 1,610,494 alleles (0.000062%); highest among the groups gnomAD compares: Admixed American, 0.0017%; no homozygotes.

Submissions (3):

Daryl Scott Lab, Baylor College of Medicine
Classification: Likely pathogenic for Galloway-Mowat syndrome 1. Last evaluated: 2024-01-01. Review status: criteria provided, single submitter. Criteria: ACMG Guidelines, 2015. Collection method: clinical testing. Allele origin: paternal. Observed: 1 heterozygote.
Comment: PVS1, PM2

Ambry Genetics
Classification: Pathogenic for Inborn genetic diseases. Last evaluated: 2020-02-03. Review status: criteria provided, single submitter. Criteria: Ambry Variant Classification Scheme 2023. Collection method: clinical testing. Allele origin: germline.
Comment: The alteration results in a premature stop codon: _x000D_ _x000D_ The c.626G>A (p.W209*) alteration, located in coding exon 7 of the WDR73 gene, results from a G to A substitution at nucleotide position 626. This changes the amino acid from a tryptophan (W) to a stop codon at amino acid position 209. This alteration is expected to result in loss of function by premature protein truncation or nonsense-mediated mRNA decay. The alteration is not observed in population databases: _x000D_ _x000D_ Based on data from the Genome Aggregation Database (gnomAD), the WDR73 c.626G>A alteration was not observed, with coverage at this position. Based on the available evidence, this alteration is classified as pathogenic.

Baylor Genetics
Classification: Likely pathogenic for Galloway-Mowat syndrome 1. Last evaluated: 2019-07-30. Review status: criteria provided, single submitter. Criteria: ACMG Guidelines, 2015. Collection method: clinical testing. Allele origin: unknown. Affected: yes.
Comment: This variant was determined to be likely pathogenic according to ACMG Guidelines, 2015 [PMID:25741868].

NM_032856.5(WDR73):c.626G>A (p.Trp209Ter)

Gene: WDR73 (WD repeat domain 73; minus strand). Cytogenetic location: 15q25.2.
Variant type: single nucleotide variant.
Coding change: c.626G>A on transcript NM_032856.5 (MANE Select); coding-DNA position 626, G replaced by A.
Protein change: p.Trp209Ter; replaces tryptophan 209 with a stop codon.
Molecular consequence: nonsense. On other transcripts: non-coding transcript variant (4).
Genome position (GRCh38, 1-based): chr15:84,645,728, C>T on the plus strand (G>A on the coding strand, the complement: WDR73 is on the minus strand). VCF-style: chr15-84645728-C-T. GRCh37 (hg19) VCF-style: chr15-85188959-C-T.
Other names: short protein forms W209*.
Identifiers: ClinVar variation 985008 (VCV000985008.7), dbSNP rs1896432430, ClinGen allele CA393353296.